The following is an entry in ClinVar:

ClinVar aggregate classification (germline): Uncertain significance. Review status: criteria provided, multiple submitters, no conflicts (2 of 4 stars). 3 submissions from 3 submitters: Uncertain significance (3). Last evaluated 2023-08-18.

Conditions:
Hereditary cancer-predisposing syndrome. Also called: Tumor predisposition; Hereditary Cancer Syndrome; Hereditary neoplastic syndrome; Neoplastic Syndromes, Hereditary. Identifiers: Orphanet 140162, MedGen C0027672, MeSH D009386, MONDO:0015356.
Hereditary nonpolyposis colorectal neoplasms. Identifiers: MedGen C0009405, MeSH D003123.
Endometrial carcinoma. Also called: Endometrial carcinoma, somatic. Identifiers: MedGen C0476089, MONDO:0002447, OMIM 608089, HP:0012114.

Submissions (3):

Baylor Genetics
Classification: Uncertain significance for Endometrial carcinoma. Last evaluated: 2023-08-18. Review status: criteria provided, single submitter. Criteria: ACMG Guidelines, 2015. Collection method: clinical testing. Allele origin: unknown.

Ambry Genetics
Classification: Uncertain significance for Hereditary cancer-predisposing syndrome. Last evaluated: 2022-11-10. Review status: criteria provided, single submitter. Criteria: Ambry Variant Classification Scheme 2023. Collection method: clinical testing. Allele origin: germline.
Comment: The p.T1243P variant (also known as c.3727A>C), located in coding exon 8 of the MSH6 gene, results from an A to C substitution at nucleotide position 3727. The threonine at codon 1243 is replaced by proline, an amino acid with highly similar properties. This amino acid position is conserved. In addition, this alteration is predicted to be deleterious by in silico analysis. Since supporting evidence is limited at this time, the clinical significance of this alteration remains unclear.

Labcorp Genetics (formerly Invitae), Labcorp
Classification: Uncertain significance for Hereditary nonpolyposis colorectal neoplasms. Last evaluated: 2022-09-07. Review status: criteria provided, single submitter. Criteria: Invitae Variant Classification Sherloc (09022015). Collection method: clinical testing. Allele origin: germline.
Comment: This sequence change replaces threonine, which is neutral and polar, with proline, which is neutral and non-polar, at codon 1243 of the MSH6 protein (p.Thr1243Pro). This variant is not present in population databases (gnomAD no frequency). This variant has not been reported in the literature in individuals affected with MSH6-related conditions. ClinVar contains an entry for this variant (Variation ID: 1479705). Advanced modeling of protein sequence and biophysical properties (such as structural, functional, and spatial information, amino acid conservation, physicochemical variation, residue mobility, and thermodynamic stability) performed at Invitae indicates that this missense variant is expected to disrupt MSH6 protein function. In summary, the available evidence is currently insufficient to determine the role of this variant in disease. Therefore, it has been classified as a Variant of Uncertain Significance.

NM_000179.3(MSH6):c.3727A>C (p.Thr1243Pro)

Gene: MSH6 (mutS homolog 6; plus strand). Cytogenetic location: 2p16.3.
Variant type: single nucleotide variant.
Coding change: c.3727A>C on transcript NM_000179.3 (MANE Select); coding-DNA position 3727, A replaced by C.
Protein change: p.Thr1243Pro; replaces threonine 1243 with proline.
Molecular consequence: missense variant.
Genome position (GRCh38, 1-based): chr2:47,806,284, A>C. VCF-style: chr2-47806284-A-C. GRCh37 (hg19) VCF-style: chr2-48033423-A-C.
Other names: c.3727A>C (NM_000179.2); c.3337A>C, p.Thr1113Pro (NM_001281492.2); c.2821A>C, p.Thr941Pro (NM_001281493.2, NM_001281494.2); short protein forms T941P, T1243P, T1113P.
Identifiers: ClinVar variation 1479705 (VCV001479705.11), dbSNP rs147453999, ClinGen allele CA346761029.